The following is an entry in ClinVar:

ClinVar aggregate classification (germline): Uncertain significance (1 of 4 stars; one submission).

Conditions:
Inborn genetic diseases. Identifiers: MedGen C0950123, MeSH D030342.

gnomAD v4.1: 3 of 1,614,058 alleles (0.00019%); highest among the groups gnomAD compares: East Asian, 0.0022%; no homozygotes.

Submission:

Ambry Genetics
Classification: Uncertain significance for Inborn genetic diseases. Last evaluated: 2024-08-12. Review status: criteria provided, single submitter. Criteria: Ambry Variant Classification Scheme 2023. Collection method: clinical testing. Allele origin: germline.
Comment: The p.D705H variant (also known as c.2113G>C), located in coding exon 18 of the LRRK2 gene, results from a G to C substitution at nucleotide position 2113. The aspartic acid at codon 705 is replaced by histidine, an amino acid with similar properties. This amino acid position is conserved. In addition, the in silico prediction for this alteration is inconclusive. Since supporting evidence is limited at this time, the clinical significance of this alteration remains unclear.

NM_198578.4(LRRK2):c.2113G>C (p.Asp705His)

Gene: LRRK2 (leucine rich repeat kinase 2; plus strand). Cytogenetic location: 12q12.
Variant type: single nucleotide variant.
Coding change: c.2113G>C on transcript NM_198578.4 (MANE Select); coding-DNA position 2113, G replaced by C.
Protein change: p.Asp705His; replaces aspartic acid 705 with histidine.
Molecular consequence: missense variant.
Genome position (GRCh38, 1-based): chr12:40,278,133, G>C. VCF-style: chr12-40278133-G-C. GRCh37 (hg19) VCF-style: chr12-40671935-G-C.
Other names: short protein forms D705H.
Identifiers: ClinVar variation 1786146 (VCV001786146.3), dbSNP rs374715956, ClinGen allele CA235331576.